The following is an entry in ClinVar:

NM_004176.5(SREBF1):c.712G>A (p.Val238Ile)

Gene: SREBF1 (sterol regulatory element binding transcription factor 1; minus strand). Cytogenetic location: 17p11.2.
Variant type: single nucleotide variant.
Coding change: c.712G>A on transcript NM_004176.5 (MANE Select); coding-DNA position 712, G replaced by A.
Protein change: p.Val238Ile; replaces valine 238 with isoleucine.
Molecular consequence: missense variant. On other transcripts: non-coding transcript variant (4).
Genome position (GRCh38, 1-based): chr17:17,819,454, C>T on the plus strand (G>A on the coding strand, the complement: SREBF1 is on the minus strand). VCF-style: chr17-17819454-C-T. GRCh37 (hg19) VCF-style: chr17-17722768-C-T.
Other names: c.802G>A, p.Val268Ile (NM_001005291.3); c.640G>A, p.Val214Ile (NM_001321096.3); c.712G>A, p.Val238Ile (NM_001388385.1, NM_001388386.1, NM_001388387.1 and 5 more transcripts); c.706G>A, p.Val236Ile (NM_001388389.1); c.280G>A, p.Val94Ile (NM_001388394.1); short protein forms V214I, V238I, V236I, V268I, V94I.
Identifiers: ClinVar variation 4978744 (VCV004978744.1).

ClinVar aggregate classification (germline): Likely benign (1 of 4 stars; one submission).

Conditions:
SREBF1-related disorder. Also called: SREBF1-related condition.

gnomAD v4.1: 237 of 1,613,754 alleles (0.015%); highest among the groups gnomAD compares: African/African-American, 0.3%; no homozygotes.

Submission:

PreventionGenetics, part of Exact Sciences
Classification: Likely benign for SREBF1-related condition. Last evaluated: 2026-06-29. Review status: criteria provided, single submitter. Criteria: ACMG Guidelines, 2015. Collection method: clinical testing. Allele origin: germline.
Comment: This variant is classified as likely benign based on ACMG/AMP sequence variant interpretation guidelines (Richards et al. 2015 PMID: 25741868, with internal and published modifications).